The following is an entry in ClinVar:

ClinVar aggregate classification (germline): Uncertain significance (1 of 4 stars; one submission).

Conditions:
Mucopolysaccharidosis, MPS-III-A (MPS3A). Also called: HEPARAN SULFATE SULFATASE DEFICIENCY; SANFILIPPO SYNDROME A; SULFAMIDASE DEFICIENCY; MPS III A; Mucopolysaccharidosis, type IIIA; MUCOPOLYSACCHARIDOSIS, TYPE IIIA, ATTENUATED. Identifiers: Orphanet 581, Orphanet 79269, MedGen C0086647, MONDO:0009655, OMIM 252900.

Allele frequency attached by ClinVar (database versions not stated): gnomAD 0.00001; TOPMed 0.00002.
gnomAD v4.1: 1 of 1,602,582 alleles (0.000062%); highest among the groups gnomAD compares: African/African-American, 0.0013%; no homozygotes.

Submission:

Labcorp Genetics (formerly Invitae), Labcorp
Classification: Uncertain significance for Mucopolysaccharidosis, MPS-III-A. Last evaluated: 2022-08-23. Review status: criteria provided, single submitter. Criteria: Invitae Variant Classification Sherloc (09022015). Collection method: clinical testing. Allele origin: germline.
Comment: This sequence change replaces serine, which is neutral and polar, with proline, which is neutral and non-polar, at codon 492 of the SGSH protein (p.Ser492Pro). This variant is present in population databases (no rsID available, gnomAD 0.01%). This variant has not been reported in the literature in individuals affected with SGSH-related conditions. Advanced modeling of protein sequence and biophysical properties (such as structural, functional, and spatial information, amino acid conservation, physicochemical variation, residue mobility, and thermodynamic stability) performed at Invitae indicates that this missense variant is expected to disrupt SGSH protein function. In summary, the available evidence is currently insufficient to determine the role of this variant in disease. Therefore, it has been classified as a Variant of Uncertain Significance.

NM_000199.5(SGSH):c.1474T>C (p.Ser492Pro)

Gene: SGSH (N-sulfoglucosamine sulfohydrolase; minus strand). Cytogenetic location: 17q25.3.
Variant type: single nucleotide variant.
Coding change: c.1474T>C on transcript NM_000199.5 (MANE Select); coding-DNA position 1474, T replaced by C.
Protein change: p.Ser492Pro; replaces serine 492 with proline.
Molecular consequence: missense variant. On other transcripts: 3 prime UTR variant (2), non-coding transcript variant (1).
Genome position (GRCh38, 1-based): chr17:80,210,487, A>G on the plus strand (T>C on the coding strand, the complement: SGSH is on the minus strand). VCF-style: chr17-80210487-A-G. GRCh37 (hg19) VCF-style: chr17-78184286-A-G.
Other names: c.*561T>C (NM_001352921.3); c.*524T>C (NM_001352922.2); short protein forms S492P.
Identifiers: ClinVar variation 2156876 (VCV002156876.1), dbSNP rs1458548920, ClinGen allele CA401358356.
Genomic context (GRCh38, chr17:80,210,487, plus strand): 5'-TGTGTGCACAGGCCTCCTGGGATGGTCACAGCTCATTGTGGAGGGGCTGGCACTGGGGAG[A>G]GAGCTTCTCCTCCAGGACGCCGTCGGGGGCGCACACCCAGGGGTCGTGGGTCTCCCACTG-3'
Protein context (NP_000190.1, residues 482-502): APDGVLEEKL[Ser492Pro]PQCQPLHNEL